The following is an entry in ClinVar:

NM_001370259.2(MEN1):c.191A>C (p.Gln64Pro)

Gene: MEN1 (menin 1; minus strand). Cytogenetic location: 11q13.1.
Variant type: single nucleotide variant.
Coding change: c.191A>C on transcript NM_001370259.2 (MANE Select); coding-DNA position 191, A replaced by C.
Protein change: p.Gln64Pro; replaces glutamine 64 with proline.
Molecular consequence: missense variant. On other transcripts: non-coding transcript variant (4).
Genome position (GRCh38, 1-based): chr11:64,809,919, T>G on the plus strand (A>C on the coding strand, the complement: MEN1 is on the minus strand). VCF-style: chr11-64809919-T-G. GRCh37 (hg19) VCF-style: chr11-64577391-T-G.
Other names: c.191A>C, p.Gln64Pro (NM_000244.4, NM_001370251.2, NM_001370260.2 and 20 more transcripts); short protein forms Q64P.
Identifiers: ClinVar variation 3229090 (VCV003229090.1), dbSNP rs2136190273, ClinGen allele CA381187679.

ClinVar aggregate classification (germline): Uncertain significance (1 of 4 stars; one submission).

Conditions:
Hereditary cancer-predisposing syndrome. Also called: Neoplastic Syndromes, Hereditary; Tumor predisposition; Hereditary neoplastic syndrome; Hereditary Cancer Syndrome. Identifiers: Orphanet 140162, MedGen C0027672, MeSH D009386, MONDO:0015356.

Submission:

Ambry Genetics
Classification: Uncertain significance for Hereditary cancer-predisposing syndrome. Last evaluated: 2023-12-13. Review status: criteria provided, single submitter. Criteria: Ambry Variant Classification Scheme 2023. Collection method: clinical testing. Allele origin: germline.
Comment: The p.Q64P variant (also known as c.191A>C), located in coding exon 1 of the MEN1 gene, results from an A to C substitution at nucleotide position 191. The glutamine at codon 64 is replaced by proline, an amino acid with similar properties. This amino acid position is conserved. In addition, the in silico prediction for this alteration is inconclusive. Since supporting evidence is limited at this time, the clinical significance of this alteration remains unclear.